The following is an entry in ClinVar:

ClinVar aggregate classification (germline): Uncertain significance (1 of 4 stars; one submission).

Conditions:
Rett syndrome (RTT). Also called: AUTISM, DEMENTIA, ATAXIA, AND LOSS OF PURPOSEFUL HAND USE; Rett's disorder. Identifiers: Orphanet 3095, Orphanet 778, MedGen C0035372, MONDO:0010726, OMIM 312750.

Submission:

Neuberg Centre For Genomic Medicine, NCGM
Classification: Uncertain significance for Rett syndrome. Review status: criteria provided, single submitter. Criteria: ACMG Guidelines, 2015. Collection method: clinical testing. Allele origin: germline. Affected: yes.
Comment: The c.4281A>C(p.Lys1427Asn) variant in the MAP2 gene has not been reported previously as a pathogenic variant nor as a benign variant, to our knowledge. The p.Lys1427Asn variant is novel (not in any individuals) in gnomAD Exomes and 1000 Genomes. The amino acid Lys at position 1427 is changed to a Asn changing protein sequence and it might alter its composition and physico-chemical properties. The variant is predicted to be damaging by both SIFT and PolyPhen2. The residue is conserved across species. The amino acid change p.Lys1427Asn in MAP2 is predicted as conserved by GERP++ and PhyloP across 100 vertebrates. For these reasons, this variant has been classified as Uncertain Significance .

NM_001375505.1(MAP2):c.4281A>C (p.Lys1427Asn)

Gene: MAP2 (microtubule associated protein 2; plus strand). Cytogenetic location: 2q34.
Variant type: single nucleotide variant.
Coding change: c.4281A>C on transcript NM_001375505.1 (MANE Select); coding-DNA position 4281, A replaced by C.
Protein change: p.Lys1427Asn; replaces lysine 1427 with asparagine.
Molecular consequence: missense variant. On other transcripts: intron variant (20).
Genome position (GRCh38, 1-based): chr2:209,696,642, A>C. VCF-style: chr2-209696642-A-C. GRCh37 (hg19) VCF-style: chr2-210561366-A-C.
Other names: c.4269A>C, p.Lys1423Asn (NM_001363910.2, NM_001363911.2, NM_001375500.1 and 4 more transcripts); c.555A>C, p.Lys185Asn (NM_001375495.1, NM_001375510.1, NM_001375536.1 and 1 more transcripts); c.552A>C, p.Lys184Asn (NM_001375498.1, NM_001375540.1); c.4527A>C, p.Lys1509Asn (NM_001375501.1, NM_001375531.1, NM_001375537.1); c.4278A>C, p.Lys1426Asn (NM_001375502.1, NM_001375544.1); c.4512A>C, p.Lys1504Asn (NM_001375503.1); c.4281A>C, p.Lys1427Asn (NM_001375504.1, NM_001375506.1, NM_001375526.1 and 4 more transcripts); c.4515A>C, p.Lys1505Asn (NM_001375539.1); and 10 more; short protein forms K1269N, K1422N, K1423N, K1426N, K1427N, K1504N, K1505N, K1509N.
Identifiers: ClinVar variation 1878555 (VCV001878555.1), dbSNP rs2469182459, ClinGen allele CA350129029.